The following is an entry in ClinVar:

NM_000439.5(PCSK1):c.285+1G>A

Genes: PCSK1 (proprotein convertase subtilisin/kexin type 1; minus strand), CAST (calpastatin; plus strand), LOC101929710 (uncharacterized LOC101929710; plus strand). Cytogenetic location: 5q15.
Variant type: single nucleotide variant.
Coding change: c.285+1G>A on transcript NM_000439.5 (MANE Select); the canonical splice donor site of the intron after coding-DNA position 285, G replaced by A.
Molecular consequence: splice donor variant.
Genome position (GRCh38, 1-based): chr5:96,429,212, C>T on the plus strand (G>A on the coding strand, the complement: PCSK1 is on the minus strand). VCF-style: chr5-96429212-C-T. GRCh37 (hg19) VCF-style: chr5-95764916-C-T.
Other names: c.144+1G>A (NM_001177875.2); c.285+1G>A (NM_000439.4).
Identifiers: ClinVar variation 1958798 (VCV001958798.6), dbSNP rs1464398432, ClinGen allele CA360485064.
Genomic context (GRCh38, chr5:96,429,212, plus strand): 5'-AAATCATAAAGAAAGCAGATAAGCTAGAGTATTGGTTTGAAGACAAATGTACAACACTTA[C>T]ACGATCATCATCAGATAATCTCTTAGTGATATGAAAGGCACTCCTTCGAGACCTTCTGGG-3'

ClinVar aggregate classification (germline): Likely pathogenic. Review status: criteria provided, single submitter (1 of 4 stars). 2 submissions from 2 submitters: Likely pathogenic (1). 1 of the submissions does not count toward it. Last evaluated 2022-09-06.

Conditions:
PCSK1-related disorder. Also called: PCSK1-related condition.

Allele frequency attached by ClinVar (database versions not stated): gnomAD exomes below 0.00001; TOPMed 0.00001; gnomAD 0.00002.
gnomAD v4.1: 5 of 1,431,100 alleles (0.00035%); highest among the groups gnomAD compares: African/African-American, 0.0056%; no homozygotes.

Submissions (2):

Labcorp Genetics (formerly Invitae), Labcorp
Classification: Likely pathogenic. Last evaluated: 2022-09-06. Review status: criteria provided, single submitter. Criteria: Invitae Variant Classification Sherloc (09022015). Collection method: clinical testing. Allele origin: germline.
Comment: This sequence change affects a donor splice site in intron 2 of the PCSK1 gene. It is expected to disrupt RNA splicing. Variants that disrupt the donor or acceptor splice site typically lead to a loss of protein function (PMID: 16199547), and loss-of-function variants in PCSK1 are known to be pathogenic (PMID: 23562752, 23800642, 24280991, 27391121). This variant is present in population databases (no rsID available, gnomAD 0.02%). This variant has not been reported in the literature in individuals affected with PCSK1-related conditions. Algorithms developed to predict the effect of sequence changes on RNA splicing suggest that this variant may disrupt the consensus splice site. In summary, the currently available evidence indicates that the variant is pathogenic, but additional data are needed to prove that conclusively. Therefore, this variant has been classified as Likely Pathogenic.

PreventionGenetics, part of Exact Sciences
Classification: Likely pathogenic for PCSK1-related condition. Last evaluated: 2023-12-04. Review status: no assertion criteria provided. Collection method: clinical testing. Allele origin: germline. Not counted in ClinVar's aggregate classification.
Comment: The PCSK1 c.285+1G>A variant is predicted to disrupt the GT donor site and interfere with normal splicing. To our knowledge, this variant has not been reported in the literature. This variant is reported in 0.023% of alleles in individuals of African descent in gnomAD. Variants that disrupt the consensus splice donor site in PCSK1 are expected to be pathogenic. This variant is interpreted as likely pathogenic.

Literature cited by the submitters: PubMed 16199547 (cited by Labcorp Genetics (formerly Invitae), Labcorp); PubMed 23562752 (cited by Labcorp Genetics (formerly Invitae), Labcorp); PubMed 23800642 (cited by Labcorp Genetics (formerly Invitae), Labcorp); PubMed 24280991 (cited by Labcorp Genetics (formerly Invitae), Labcorp); PubMed 27391121 (cited by Labcorp Genetics (formerly Invitae), Labcorp).